The following is an entry in ClinVar:

ClinVar aggregate classification (germline): Uncertain significance (1 of 4 stars; one submission).

Conditions:
Dilated cardiomyopathy 1G (CMD1G). Identifiers: Orphanet 154, MedGen C1858763, MONDO:0011400, OMIM 604145.
Autosomal recessive limb-girdle muscular dystrophy type 2J (LGMDR10). Also called: Limb-girdle muscular dystrophy, type 2J; MUSCULAR DYSTROPHY, LIMB-GIRDLE, AUTOSOMAL RECESSIVE 10. Identifiers: Orphanet 140922, MedGen C1837342, MONDO:0012127, OMIM 608807.

Allele frequency attached by ClinVar (database versions not stated): TOPMed 0.00001.

Submission:

Labcorp Genetics (formerly Invitae), Labcorp
Classification: Uncertain significance for Dilated cardiomyopathy 1G; Autosomal recessive limb-girdle muscular dystrophy type 2J. Last evaluated: 2025-03-18. Review status: criteria provided, single submitter. Criteria: Invitae Variant Classification Sherloc (09022015). Collection method: clinical testing. Allele origin: germline.
Comment: This sequence change falls in intron 254 of the TTN gene. It does not directly change the encoded amino acid sequence of the TTN protein. This variant is not present in population databases (gnomAD no frequency). This variant has been observed in individual(s) with dilated cardiomyopathy (internal data). ClinVar contains an entry for this variant (Variation ID: 1020591). Algorithms developed to predict the effect of sequence changes on RNA splicing suggest that this variant may disrupt the consensus splice site. This variant is located in the A band of TTN (PMID: 25589632). Variants in this region may be relevant for cardiac or neuromuscular disorders (PMID: 25589632, 23975875). In summary, the available evidence is currently insufficient to determine the role of this variant in disease. Therefore, it has been classified as a Variant of Uncertain Significance.

Literature cited by the submitters: PubMed 25589632; PubMed 23975875.

NM_001267550.2(TTN):c.47761-7A>G

Genes: TTN (titin; minus strand), TTN-AS1 (TTN antisense RNA 1; plus strand). Cytogenetic location: 2q31.2.
Variant type: single nucleotide variant.
Coding change: c.47761-7A>G on transcript NM_001267550.2 (MANE Select); 7 bases into the intron before coding-DNA position 47761, A replaced by G.
Molecular consequence: intron variant.
Genome position (GRCh38, 1-based): chr2:178,617,241, T>C on the plus strand (A>G on the coding strand, the complement: TTN is on the minus strand). VCF-style: chr2-178617241-T-C. GRCh37 (hg19) VCF-style: chr2-179481968-T-C.
Other names: c.20566-7A>G (NM_003319.4); c.21142-7A>G (NM_133437.4); c.20941-7A>G (NM_133432.3); c.40057-7A>G (NM_133378.4); c.42838-7A>G (NM_001256850.1).
Identifiers: ClinVar variation 1020591 (VCV001020591.9), dbSNP rs1365533381, ClinGen allele CA761292400.